The following is an entry in ClinVar:

ClinVar aggregate classification (germline): Uncertain significance (1 of 4 stars; one submission).

Submission:

GeneDx
Classification: Uncertain significance. Last evaluated: 2026-03-06. Review status: criteria provided, single submitter. Criteria: GeneDx Variant Classification Process June 2021. Collection method: clinical testing. Allele origin: germline.
Comment: Not observed at significant frequency in large population cohorts (gnomAD); In silico analysis supports that this missense variant has a deleterious effect on protein structure/function; Has not been previously published as pathogenic or benign to our knowledge

NM_170675.5(MEIS2):c.1094C>G (p.Pro365Arg)

Gene: MEIS2 (Meis homeobox 2; minus strand). Cytogenetic location: 15q14.
Variant type: single nucleotide variant.
Coding change: c.1094C>G on transcript NM_170675.5 (MANE Select); coding-DNA position 1094, C replaced by G.
Protein change: p.Pro365Arg; replaces proline 365 with arginine.
Molecular consequence: missense variant. On other transcripts: non-coding transcript variant (1).
Genome position (GRCh38, 1-based): chr15:36,895,204, G>C on the plus strand (C>G on the coding strand, the complement: MEIS2 is on the minus strand). VCF-style: chr15-36895204-G-C. GRCh37 (hg19) VCF-style: chr15-37187405-G-C.
Other names: c.1073C>G, p.Pro358Arg (NM_001220482.2, NM_170674.5, NM_170676.5); c.1034C>G, p.Pro345Arg (NM_002399.4); c.1094C>G, p.Pro365Arg (NM_170677.5); c.1055C>G, p.Pro352Arg (NM_172315.3); c.809C>G, p.Pro270Arg (NM_172316.3); short protein forms P345R, P352R, P358R, P365R, P270R.
Identifiers: ClinVar variation 5008725 (VCV005008725.1).